The following is an entry in ClinVar:

ClinVar aggregate classification (germline): Likely benign (1 of 4 stars; one submission).

Conditions:
MEN1-related disorder. Also called: MEN1-related condition.

Submission:

PreventionGenetics, part of Exact Sciences
Classification: Likely benign for MEN1-related condition. Last evaluated: 2026-09-04. Review status: criteria provided, single submitter. Criteria: ACMG Guidelines, 2015. Collection method: clinical testing. Allele origin: germline.
Comment: This variant is classified as likely benign based on ACMG/AMP sequence variant interpretation guidelines (Richards et al. 2015 PMID: 25741868, with internal and published modifications).

NM_001370259.2(MEN1):c.*412G>T

Gene: MEN1 (menin 1; minus strand). Cytogenetic location: 11q13.1.
Variant type: single nucleotide variant.
Coding change: c.*412G>T on transcript NM_001370259.2 (MANE Select); 412 bases downstream of the stop codon, G replaced by T.
Molecular consequence: 3 prime UTR variant. On other transcripts: non-coding transcript variant (4).
Genome position (GRCh38, 1-based): chr11:64,803,922, C>A on the plus strand (G>T on the coding strand, the complement: MEN1 is on the minus strand). VCF-style: chr11-64803922-C-A. GRCh37 (hg19) VCF-style: chr11-64571394-C-A.
Other names: c.*412G>T (NM_000244.4, NM_001370251.2, NM_001370260.2 and 20 more transcripts).
Identifiers: ClinVar variation 4977706 (VCV004977706.1).